The following is an entry in ClinVar:

ClinVar aggregate classification (germline): Likely benign. Review status: criteria provided, multiple submitters, no conflicts (2 of 4 stars). 2 submissions from 2 submitters: Likely benign (2). Last evaluated 2026-06-15.

Conditions:
Polyps, multiple and recurrent inflammatory fibroid, gastrointestinal. Identifiers: MedGen C5193005, MONDO:0008285, OMIM 175510.
Gastrointestinal stromal tumor. Also called: Gastrointestinal stromal tumor, somatic; Gastrointestinal stroma tumor. Identifiers: Orphanet 44890, MedGen C0238198, MeSH D046152, MONDO:0011719, OMIM 606764, HP:0100723.

Allele frequency attached by ClinVar (database versions not stated): gnomAD 0.00001; gnomAD exomes 0.00002 and 0.00008; TOPMed 0.00002; ExAC 0.00010.
gnomAD v4.1: 25 of 1,580,082 alleles (0.0016%); highest among the groups gnomAD compares: Admixed American, 0.04%; no homozygotes.

Submissions (2):

Myriad Genetics, Inc.
Classification: Likely benign for Polyps, multiple and recurrent inflammatory fibroid, gastrointestinal. Last evaluated: 2026-06-15. Review status: criteria provided, single submitter. Criteria: Myriad Autosomal Dominant, Autosomal Recessive and X-Linked Classification Criteria (2023). Collection method: clinical testing. Allele origin: unknown.
Comment: This variant is considered likely benign. This variant is intronic and is not expected to impact mRNA splicing.

Labcorp Genetics (formerly Invitae), Labcorp
Classification: Likely benign for Gastrointestinal stromal tumor. Last evaluated: 2026-01-31. Review status: criteria provided, single submitter. Criteria: Invitae Variant Classification Sherloc (09022015). Collection method: clinical testing. Allele origin: germline.

NM_006206.6(PDGFRA):c.2775-16A>T

Gene: PDGFRA (platelet derived growth factor receptor alpha; plus strand). Cytogenetic location: 4q12.
Variant type: single nucleotide variant.
Coding change: c.2775-16A>T on transcript NM_006206.6 (MANE Select); 16 bases into the intron before coding-DNA position 2775, A replaced by T.
Molecular consequence: intron variant.
Genome position (GRCh38, 1-based): chr4:54,288,993, A>T. VCF-style: chr4-54288993-A-T. GRCh37 (hg19) VCF-style: chr4-55155160-A-T.
Other names: c.2850-16A>T (NM_001347828.2); c.2775-16A>T (NM_001347829.2); c.2814-16A>T (NM_001347830.2).
Identifiers: ClinVar variation 1622892 (VCV001622892.9), dbSNP rs773056599, ClinGen allele CA2922956.